The following is an entry in ClinVar:

ClinVar aggregate classification (germline): Conflicting classifications of pathogenicity. Review status: criteria provided, conflicting classifications (1 of 4 stars). 4 submissions from 4 submitters: Uncertain significance (3); Likely benign (1). Last evaluated 2025-09-02.

Conditions:
Inborn genetic diseases. Identifiers: MedGen C0950123, MeSH D030342.
Charcot-Marie-Tooth disease axonal type 2Z. Also called: CHARCOT-MARIE-TOOTH DISEASE, AXONAL, AUTOSOMAL DOMINANT, TYPE 2Z; CHARCOT-MARIE-TOOTH NEUROPATHY, TYPE 2Z. Identifiers: Orphanet 466768, MedGen C5569025, MONDO:0014736, OMIM 616688.

Allele frequency attached by ClinVar (database versions not stated): ExAC 0.00001; gnomAD 0.00001; gnomAD exomes 0.00001; TOPMed 0.00001.
gnomAD v4.1: 16 of 1,613,924 alleles (0.00099%); highest among the groups gnomAD compares: Non-Finnish European, 0.0013%; no homozygotes.

Submissions (4):

Labcorp Genetics (formerly Invitae), Labcorp
Classification: Uncertain significance for Charcot-Marie-Tooth disease axonal type 2Z. Last evaluated: 2025-09-02. Review status: criteria provided, single submitter. Criteria: Invitae Variant Classification Sherloc (09022015). Collection method: clinical testing. Allele origin: germline.
Comment: This sequence change falls in intron 14 of the MORC2 gene. It does not directly change the encoded amino acid sequence of the MORC2 protein. It affects a nucleotide within the consensus splice site. This variant is present in population databases (rs770913783, gnomAD 0.002%). This variant has not been reported in the literature in individuals affected with MORC2-related conditions. ClinVar contains an entry for this variant (Variation ID: 577793). Variants that disrupt the consensus splice site are a relatively common cause of aberrant splicing (PMID: 17576681, 9536098). Algorithms developed to predict the effect of sequence changes on RNA splicing suggest that this variant is not likely to affect RNA splicing. In summary, the available evidence is currently insufficient to determine the role of this variant in disease. Therefore, it has been classified as a Variant of Uncertain Significance.

Blueprint Genetics
Classification: Likely benign. Last evaluated: 2024-11-27. Review status: criteria provided, single submitter. Criteria: ACMG Guidelines, 2015. Collection method: clinical testing. Allele origin: germline.

Women's Health and Genetics/Laboratory Corporation of America, LabCorp
Classification: Uncertain significance. Last evaluated: 2024-04-29. Review status: criteria provided, single submitter. Criteria: LabCorp Variant Classification Summary - May 2015. Collection method: clinical testing. Allele origin: germline.
Comment: Variant summary: MORC2 c.1370-3C>T alters a non-conserved nucleotide located close to a canonical splice site and therefore could affect mRNA splicing, leading to a significantly altered protein sequence. Consensus agreement among computation tools predict no significant impact on normal splicing. However, these predictions have yet to be confirmed by functional studies. The variant allele was found at a frequency of 1.2e-05 in 251380 control chromosomes. The available data on variant occurrences in the general population are insufficient to allow any conclusion about variant significance. To our knowledge, no occurrence of c.1370-3C>T in individuals affected with Developmental Delay, Impaired Growth, Dysmorphic Facies, And Axonal Neuropathy and no experimental evidence demonstrating its impact on protein function have been reported. ClinVar contains an entry for this variant (Variation ID: 577793). Based on the evidence outlined above, the variant was classified as uncertain significance.

Ambry Genetics
Classification: Uncertain significance for Inborn genetic diseases. Last evaluated: 2021-07-13. Review status: criteria provided, single submitter. Criteria: Ambry Variant Classification Scheme 2023. Collection method: clinical testing. Allele origin: germline.
Comment: The c.1370-3C>T intronic variant results from a C to T substitution 3 nucleotides upstream from coding exon 15 in the MORC2 gene. This nucleotide position is not well conserved in available vertebrate species. In silico splice site analysis predicts that this alteration will not have any significant effect on splicing. Since supporting evidence is limited at this time, the clinical significance of this alteration remains unclear.

Literature cited by the submitters: PubMed 17576681 (cited by Labcorp Genetics (formerly Invitae), Labcorp); PubMed 9536098 (cited by Labcorp Genetics (formerly Invitae), Labcorp).

NM_001303256.3(MORC2):c.1370-3C>T

Gene: MORC2 (MORC family CW-type zinc finger 2; minus strand). Cytogenetic location: 22q12.2.
Variant type: single nucleotide variant.
Coding change: c.1370-3C>T on transcript NM_001303256.3 (MANE Select); 3 bases into the intron before coding-DNA position 1370, C replaced by T.
Molecular consequence: intron variant.
Genome position (GRCh38, 1-based): chr22:30,937,714, G>A on the plus strand (C>T on the coding strand, the complement: MORC2 is on the minus strand). VCF-style: chr22-30937714-G-A. GRCh37 (hg19) VCF-style: chr22-31333701-G-A.
Other names: c.1370-3C>T (NM_001303257.2); c.1184-3C>T (NM_014941.3).
Identifiers: ClinVar variation 577793 (VCV000577793.15), dbSNP rs770913783, ClinGen allele CA10186978.